The following is an entry in ClinVar:

NM_007294.3:c.2692_2693insALU

Gene: BRCA1 (BRCA1 DNA repair associated; minus strand).
Variant type: Insertion.
Identifiers: ClinVar variation 1794815 (VCV001794815.2).

ClinVar aggregate classification (germline): Likely pathogenic (1 of 4 stars; one submission).

Conditions:
Hereditary cancer-predisposing syndrome. Also called: Tumor predisposition; Hereditary Cancer Syndrome; Neoplastic Syndromes, Hereditary; Hereditary neoplastic syndrome. Identifiers: Orphanet 140162, MedGen C0027672, MeSH D009386, MONDO:0015356.

Submission:

Ambry Genetics
Classification: Likely pathogenic for Hereditary cancer-predisposing syndrome. Last evaluated: 2020-02-05. Review status: criteria provided, single submitter. Criteria: Ambry Variant Classification Scheme 2023. Collection method: clinical testing. Allele origin: germline.
Comment: The c.2692_2693insALU variant results from an Alu element insertion located in coding exon 9 of the BRCA1 gene. Alu element insertions have been shown to contribute to pathogenicity by either disrupting a coding region or a splice signal (Belancio VP et al. Semin. Cancer Biol. 2010 Aug;20:200-10; Deininger P et al. Genome Biol. 2011 Dec;12:236). Though this exact alteration has not been reported in the literature, an Alu insertion has been reported in the same exon (BRCA1 c.1739_1740insALU) which was identified in unrelated Belgian families with hereditary breast and ovarian cancer. It produced a truncated protein and was observed to segregate with disease (Teugels E et al. Hum. Mutat. 2005 Sep;26(3):284). Based on the majority of available evidence to date, this variant is likely to be pathogenic.